The following is an entry in ClinVar:

ClinVar aggregate classification (germline): Uncertain significance. Review status: criteria provided, multiple submitters, no conflicts (2 of 4 stars). 2 submissions from 2 submitters: Uncertain significance (2). Last evaluated 2024-10-29.

Submissions (2):

Labcorp Genetics (formerly Invitae), Labcorp
Classification: Uncertain significance. Last evaluated: 2024-10-29. Review status: criteria provided, single submitter. Criteria: Invitae Variant Classification Sherloc (09022015). Collection method: clinical testing. Allele origin: germline.
Comment: This sequence change replaces proline, which is neutral and non-polar, with leucine, which is neutral and non-polar, at codon 3066 of the HUWE1 protein (p.Pro3066Leu). This variant is not present in population databases (gnomAD no frequency). This variant has not been reported in the literature in individuals affected with HUWE1-related conditions. Invitae Evidence Modeling of protein sequence and biophysical properties (such as structural, functional, and spatial information, amino acid conservation, physicochemical variation, residue mobility, and thermodynamic stability) indicates that this missense variant is expected to disrupt HUWE1 protein function with a positive predictive value of 95%. In summary, the available evidence is currently insufficient to determine the role of this variant in disease. Therefore, it has been classified as a Variant of Uncertain Significance.

Blueprint Genetics
Classification: Uncertain significance. Last evaluated: 2022-01-18. Review status: criteria provided, single submitter. Criteria: ACMG Guidelines, 2015. Collection method: clinical testing. Allele origin: germline.

NM_031407.7(HUWE1):c.9197C>T (p.Pro3066Leu)

Gene: HUWE1 (HECT, UBA and WWE domain containing E3 ubiquitin protein ligase 1; minus strand). Cytogenetic location: Xp11.22.
Variant type: single nucleotide variant.
Coding change: c.9197C>T on transcript NM_031407.7 (MANE Select); coding-DNA position 9197, C replaced by T.
Protein change: p.Pro3066Leu; replaces proline 3066 with leucine.
Molecular consequence: missense variant.
Genome position (GRCh38, 1-based): chrX:53,551,089, G>A on the plus strand (C>T on the coding strand, the complement: HUWE1 is on the minus strand). VCF-style: chrX-53551089-G-A. GRCh37 (hg19) VCF-style: chrX-53578050-G-A.
Other names: short protein forms P3066L.
Identifiers: ClinVar variation 2700920 (VCV002700920.4), dbSNP rs2523329192, ClinGen allele CA413141995.